The following is an entry in ClinVar:

NM_018076.5(ODAD2):c.1207T>A (p.Ser403Thr)

Gene: ODAD2 (outer dynein arm docking complex subunit 2; minus strand). Cytogenetic location: 10p12.1.
Variant type: single nucleotide variant.
Coding change: c.1207T>A on transcript NM_018076.5 (MANE Select); coding-DNA position 1207, T replaced by A.
Protein change: p.Ser403Thr; replaces serine 403 with threonine.
Molecular consequence: missense variant. On other transcripts: intron variant (1).
Genome position (GRCh38, 1-based): chr10:27,968,954, A>T on the plus strand (T>A on the coding strand, the complement: ODAD2 is on the minus strand). VCF-style: chr10-27968954-A-T. GRCh37 (hg19) VCF-style: chr10-28257883-A-T.
Other names: p.Ser403Thr; c.1207T>A, p.Ser403Thr (NM_001290020.2); c.283T>A, p.Ser95Thr (NM_001312689.2); c.-187-7239T>A (NM_001290021.2); c.1207T>A (NM_018076.4); short protein forms S403T, S95T.
Identifiers: ClinVar variation 412248 (VCV000412248.39), dbSNP rs150723128, ClinGen allele CA5453622.

ClinVar aggregate classification (germline): Likely benign. Review status: criteria provided, multiple submitters, no conflicts (2 of 4 stars). 5 submissions from 5 submitters: Likely benign (4). 1 of the submissions does not count toward it. Last evaluated 2025-01-20.

Conditions:
ODAD2-related disorder. Also called: ODAD2-related condition.
Primary ciliary dyskinesia 23 (CILD23). Also called: CILIARY DYSKINESIA, PRIMARY, 23, WITH OR WITHOUT SITUS INVERSUS. Identifiers: Orphanet 244, MedGen C3809548, MONDO:0014193, OMIM 615451.
Primary ciliary dyskinesia. Also called: Ciliary dyskinesia. Identifiers: Orphanet 244, MedGen C0008780, MONDO:0016575, HP:0012265.

Allele frequency attached by ClinVar (database versions not stated): 1000 Genomes Project 0.00020; 1000 Genomes Project 30x 0.00031; gnomAD exomes 0.00143 and 0.00209; gnomAD 0.00147 and 0.00160; ExAC 0.00390.
gnomAD v4.1: 1,276 of 663,638 alleles (0.19%); highest among the groups gnomAD compares: Non-Finnish European, 0.27%; 7 homozygotes.

Submissions (5):

Mayo Clinic Laboratories, Mayo Clinic
Classification: Likely benign. Last evaluated: 2025-01-20. Review status: criteria provided, single submitter. Criteria: ACMG Guidelines, 2015. Collection method: clinical testing. Allele origin: germline. Observed: 1 variant allele.
Comment: BS1, BS2_supporting, BP4_moderate

Labcorp Genetics (formerly Invitae), Labcorp
Classification: Likely benign for Primary ciliary dyskinesia 23. Last evaluated: 2024-12-02. Review status: criteria provided, single submitter. Criteria: Invitae Variant Classification Sherloc (09022015). Collection method: clinical testing. Allele origin: germline.

CeGaT Center for Human Genetics Tuebingen
Classification: Likely benign. Last evaluated: 2023-05-01. Review status: criteria provided, single submitter. Criteria: CeGaT Center For Human Genetics Tuebingen Variant Classification Criteria Version 2. Collection method: clinical testing. Allele origin: germline. Affected: yes. Observed: 1 variant allele.
Comment: ODAD2: BP4

Ambry Genetics
Classification: Likely benign for Primary ciliary dyskinesia. Last evaluated: 2017-06-09. Review status: criteria provided, single submitter. Criteria: Ambry Variant Classification Scheme 2023. Collection method: clinical testing. Allele origin: germline.

PreventionGenetics, part of Exact Sciences
Classification: Likely benign for ODAD2-related condition. Last evaluated: 2024-04-19. Review status: no assertion criteria provided. Collection method: clinical testing. Allele origin: germline. Not counted in ClinVar's aggregate classification.
Comment: This variant is classified as likely benign based on ACMG/AMP sequence variant interpretation guidelines (Richards et al. 2015 PMID: 25741868, with internal and published modifications).